The following is an entry in ClinVar:

NM_014625.4(NPHS2):c.364T>C (p.Trp122Arg)

Gene: NPHS2 (NPHS2 stomatin family member, podocin; minus strand). Cytogenetic location: 1q25.2.
Variant type: single nucleotide variant.
Coding change: c.364T>C on transcript NM_014625.4 (MANE Select); coding-DNA position 364, T replaced by C.
Protein change: p.Trp122Arg; replaces tryptophan 122 with arginine.
Molecular consequence: missense variant.
Genome position (GRCh38, 1-based): chr1:179,564,704, A>G on the plus strand (T>C on the coding strand, the complement: NPHS2 is on the minus strand). VCF-style: chr1-179564704-A-G. GRCh37 (hg19) VCF-style: chr1-179533839-A-G.
Other names: c.364T>C, p.Trp122Arg (NM_001297575.2); short protein forms W122R.
Identifiers: ClinVar variation 2609253 (VCV002609253.3), dbSNP rs2526313659, ClinGen allele CA343570812.

ClinVar aggregate classification (germline): Uncertain significance. Review status: criteria provided, multiple submitters, no conflicts (2 of 4 stars). 2 submissions from 2 submitters: Uncertain significance (2). Last evaluated 2025-01-13.

Conditions:
Nephrotic syndrome, type 2 (NPHS2). Also called: NEPHROTIC SYNDROME, STEROID-RESISTANT, AUTOSOMAL RECESSIVE. Identifiers: Orphanet 656, MedGen C1868672, MONDO:0010974, OMIM 600995.
Inborn genetic diseases. Identifiers: MedGen C0950123, MeSH D030342.

Submissions (2):

3billion
Classification: Uncertain significance for Nephrotic syndrome, type 2. Last evaluated: 2025-01-13. Review status: criteria provided, single submitter. Criteria: ACMG Guidelines, 2015. Collection method: clinical testing. Allele origin: germline. Affected: yes.
Comment: The variant is not observed in the gnomAD v4.1.0 dataset. Predicted Consequence/Location: Missense variant In silico tool predictions suggest damaging effect of the variant on gene or gene product [REVEL: 0.92 (>=0.6, sensitivity 0.68 and specificity 0.92); 3Cnet: 0.98 (>=0.6, sensitivity 0.72 and precision 0.9)]. Different missense changes at the same codon (p.Trp122Leu, p.Trp122Ser) have been reported to be associated with NPHS2-related disorder (PMID: 17899208, 24227627). However the evidence of pathogenicity is insufficient at this time. Therefore, this variant is classified as VUS according to the recommendation of ACMG/AMP guideline.

Ambry Genetics
Classification: Uncertain significance for Inborn genetic diseases. Last evaluated: 2023-06-30. Review status: criteria provided, single submitter. Criteria: Ambry Variant Classification Scheme 2023. Collection method: clinical testing. Allele origin: germline.

Literature cited by the submitters: PubMed 17899208 (cited by 3billion).